The following is an entry in ClinVar:

NM_001395002.1(MAP4K4):c.4004A>G (p.His1335Arg)

Gene: MAP4K4 (mitogen-activated protein kinase kinase kinase kinase 4; plus strand). Cytogenetic location: 2q11.2.
Variant type: single nucleotide variant.
Coding change: c.4004A>G on transcript NM_001395002.1 (MANE Select); coding-DNA position 4004, A replaced by G.
Protein change: p.His1335Arg; replaces histidine 1335 with arginine.
Molecular consequence: missense variant. On other transcripts: non-coding transcript variant (4).
Genome position (GRCh38, 1-based): chr2:101,888,868, A>G. VCF-style: chr2-101888868-A-G. GRCh37 (hg19) VCF-style: chr2-102505330-A-G.
Other names: c.3569A>G, p.His1190Arg (NM_001242559.2); c.3557A>G, p.His1186Arg (NM_001242560.2); c.3647A>G, p.His1216Arg (NM_001384476.1); c.3836A>G, p.His1279Arg (NM_001384477.1); c.3326A>G, p.His1109Arg (NM_001384478.1); c.3788A>G, p.His1263Arg (NM_001384481.1); c.3317A>G, p.His1106Arg (NM_001384482.1); c.3599A>G, p.His1200Arg (NM_001384483.1); and 40 more; short protein forms H1106R, H1109R, H1128R, H1140R, H1186R, H1207R, H1216R, H1224R.
Identifiers: ClinVar variation 5023882 (VCV005023882.1).

ClinVar aggregate classification (germline): Uncertain significance (1 of 4 stars; one submission).

Conditions:
Inborn genetic diseases. Identifiers: MedGen C0950123, MeSH D030342.

gnomAD v4.1: 2 of 1,613,776 alleles (0.00012%); highest among the groups gnomAD compares: East Asian, 0.0022%; no homozygotes.

Submission:

Ambry Genetics
Classification: Uncertain significance for Inborn genetic diseases. Last evaluated: 2026-08-17. Review status: criteria provided, single submitter. Criteria: Ambry Variant Classification Scheme 2023. Collection method: clinical testing. Allele origin: germline.
Comment: The c.3671A>G (p.H1224R) alteration is located in exon 30 (coding exon 30) of the MAP4K4 gene. This alteration results from a A to G substitution at nucleotide position 3671, causing the histidine (H) at amino acid position 1224 to be replaced by an arginine (R). Based on data from gnomAD, the G allele has an overall frequency of <0.001% (1/248986) total alleles studied. The highest observed frequency was <0.001% (/) of alleles. Based on insufficient or conflicting evidence, the clinical significance of this alteration remains unclear.